The following is an entry in ClinVar:

NM_020166.5(MCCC1):c.539G>T (p.Gly180Val)

Gene: MCCC1 (methylcrotonyl-CoA carboxylase subunit 1; minus strand). Cytogenetic location: 3q27.1.
Variant type: single nucleotide variant.
Coding change: c.539G>T on transcript NM_020166.5 (MANE Select); coding-DNA position 539, G replaced by T.
Protein change: p.Gly180Val; replaces glycine 180 with valine.
Molecular consequence: missense variant. On other transcripts: non-coding transcript variant (2).
Genome position (GRCh38, 1-based): chr3:183,071,310, C>A on the plus strand (G>T on the coding strand, the complement: MCCC1 is on the minus strand). VCF-style: chr3-183071310-C-A. GRCh37 (hg19) VCF-style: chr3-182789098-C-A.
Other names: c.539G>T (NM_020166.4); c.188G>T, p.Gly63Val (NM_001293273.2); c.212G>T, p.Gly71Val (NM_001363880.1); short protein forms G71V, G180V, G63V.
Identifiers: ClinVar variation 1458456 (VCV001458456.10), dbSNP rs748201122, ClinGen allele CA355330610.

ClinVar aggregate classification (germline): Pathogenic/Likely pathogenic. Review status: criteria provided, multiple submitters, no conflicts (2 of 4 stars). 3 submissions from 3 submitters: Pathogenic (1); Likely pathogenic (2). Last evaluated 2025-08-25.

Conditions:
3-methylcrotonyl-CoA carboxylase 1 deficiency (MCC1D). Also called: MCCD TYPE 1; METHYLCROTONYLGLYCINURIA TYPE I; MCC 1 deficiency; 3 Alpha methylcrotonylglycinuria 1. Identifiers: Orphanet 6, MedGen CN028786, MONDO:0008861, OMIM 210200.

Allele frequency attached by ClinVar (database versions not stated): TOPMed below 0.00001; gnomAD 0.00001.
gnomAD v4.1: 3 of 1,614,080 alleles (0.00019%); highest among the groups gnomAD compares: Non-Finnish European, 0.00017%; no homozygotes.

Submissions (3):

Natera, Inc.
Classification: Likely pathogenic for 3-methylcrotonyl-CoA carboxylase 1 deficiency. Last evaluated: 2025-08-25. Review status: criteria provided, single submitter. Criteria: Natera Variant Classification Schema (03/2026). Collection method: clinical testing. Allele origin: germline.
Comment: The c.539G>T variant in MCCC1 is a missense variant predicted to cause substitution of glycine to valine at amino acid 180. This variant is rare in the general population with a frequency below the threshold expected for the associated phenotype(s). This variant has been observed in one or more individuals affected with the associated recessive disease, as either homozygous or compound heterozygous with a second variant (PMID: 22642865, 27577216). Computational prediction algorithms indicate this variant is likely to affect gene or protein function. Given the available evidence, this variant is classified as Likely Pathogenic.

Baylor Genetics
Classification: Likely pathogenic for 3-methylcrotonyl-CoA carboxylase 1 deficiency. Last evaluated: 2022-10-13. Review status: criteria provided, single submitter. Criteria: ACMG Guidelines, 2015. Collection method: clinical testing. Allele origin: unknown.

Labcorp Genetics (formerly Invitae), Labcorp
Classification: Pathogenic for 3-methylcrotonyl-CoA carboxylase 1 deficiency. Last evaluated: 2020-12-04. Review status: criteria provided, single submitter. Criteria: Invitae Variant Classification Sherloc (09022015). Collection method: clinical testing. Allele origin: germline.
Comment: This sequence change replaces glycine with valine at codon 180 of the MCCC1 protein (p.Gly180Val). The glycine residue is highly conserved and there is a moderate physicochemical difference between glycine and valine. This variant is not present in population databases (ExAC no frequency). This variant has been observed in individual(s) with 3-methylcrotonyl-CoA carboxylase deficiency (PMID: 22642865, 27577216). In at least one individual the data is consistent with the variant being in trans (on the opposite chromosome) from a pathogenic variant. Advanced modeling of protein sequence and biophysical properties (such as structural, functional, and spatial information, amino acid conservation, physicochemical variation, residue mobility, and thermodynamic stability) performed at Invitae indicates that this missense variant is expected to disrupt MCCC1 protein function. Algorithms developed to predict the effect of sequence changes on RNA splicing suggest that this variant may create or strengthen a splice site, but this prediction has not been confirmed by published transcriptional studies. For these reasons, this variant has been classified as Pathogenic.

Literature cited by the submitters: PubMed 22642865 (cited by Natera, Inc. and Labcorp Genetics (formerly Invitae), Labcorp); PubMed 27577216 (cited by Natera, Inc. and Labcorp Genetics (formerly Invitae), Labcorp).